The following is an entry in ClinVar:

NM_170707.4(LMNA):c.481G>T (p.Glu161Ter)

Genes: LMNA (lamin A/C; plus strand), LOC126805877 (MED14-independent group 3 enhancer GRCh37_chr1:156099693-156100892; plus strand). Cytogenetic location: 1q22.
Variant type: single nucleotide variant.
Coding change: c.481G>T on transcript NM_170707.4 (MANE Select); coding-DNA position 481, G replaced by T.
Protein change: p.Glu161Ter; replaces glutamic acid 161 with a stop codon.
Molecular consequence: nonsense.
Genome position (GRCh38, 1-based): chr1:156,130,741, G>T. VCF-style: chr1-156130741-G-T. GRCh37 (hg19) VCF-style: chr1-156100532-G-T.
Other names: c.145G>T, p.Glu49Ter (NM_001257374.3); c.238G>T, p.Glu80Ter (NM_001282624.2); c.481G>T, p.Glu161Ter (NM_001282625.2, NM_001282626.2, NM_005572.4 and 1 more transcripts); short protein forms E161*, E49*, E80*.
Identifiers: ClinVar variation 1069289 (VCV001069289.7), dbSNP rs28933093, ClinGen allele CA342815589.

ClinVar aggregate classification (germline): Pathogenic (1 of 4 stars; one submission).

Conditions:
Charcot-Marie-Tooth disease type 2. Also called: Charcot-Marie-Tooth type 2. Identifiers: Orphanet 64746, MedGen C0270914, MONDO:0018993.

Submission:

Labcorp Genetics (formerly Invitae), Labcorp
Classification: Pathogenic for Charcot-Marie-Tooth disease type 2. Last evaluated: 2024-04-22. Review status: criteria provided, single submitter. Criteria: Invitae Variant Classification Sherloc (09022015). Collection method: clinical testing. Allele origin: germline.
Comment: This sequence change creates a premature translational stop signal (p.Glu161*) in the LMNA gene. It is expected to result in an absent or disrupted protein product. Loss-of-function variants in LMNA are known to be pathogenic (PMID: 18585512, 18926329). This variant is not present in population databases (gnomAD no frequency). This variant has not been reported in the literature in individuals affected with LMNA-related conditions. ClinVar contains an entry for this variant (Variation ID: 1069289). For these reasons, this variant has been classified as Pathogenic.

Literature cited by the submitters: PubMed 18585512; PubMed 18926329.